The following is an entry in ClinVar:

NM_015231.3(NUP160):c.423+105C>T

Gene: NUP160 (nucleoporin 160; minus strand). Cytogenetic location: 11p11.2.
Variant type: single nucleotide variant.
Coding change: c.423+105C>T on transcript NM_015231.3 (MANE Select); 105 bases into the intron after coding-DNA position 423, C replaced by T.
Molecular consequence: intron variant. On other transcripts: synonymous variant (1).
Genome position (GRCh38, 1-based): chr11:47,840,273, G>A on the plus strand (C>T on the coding strand, the complement: NUP160 is on the minus strand). VCF-style: chr11-47840273-G-A. GRCh37 (hg19) VCF-style: chr11-47861825-G-A.
Other names: c.630C>T, p.Leu210= (NM_001318399.1).
Identifiers: ClinVar variation 3030031 (VCV003030031.2), dbSNP rs1363565713, ClinGen allele CA599375699.

ClinVar aggregate classification (germline): Likely benign (0 of 4 stars; one submission).

Conditions:
NUP160-related disorder. Also called: NUP160-related condition.

Allele frequency attached by ClinVar (database versions not stated): gnomAD 0.00001; gnomAD exomes 0.00001; TOPMed 0.00001.
gnomAD v4.1: 6 of 1,040,024 alleles (0.00058%); highest among the groups gnomAD compares: South Asian, 0.0013%; no homozygotes.

Submission:

PreventionGenetics, part of Exact Sciences
Classification: Likely benign for NUP160-related condition. Last evaluated: 2022-11-17. Review status: no assertion criteria provided. Collection method: clinical testing. Allele origin: germline.
Comment: This variant is classified as likely benign based on ACMG/AMP sequence variant interpretation guidelines (Richards et al. 2015 PMID: 25741868, with internal and published modifications).